The following is an entry in ClinVar:

NM_005228.5(EGFR):c.2317_2318insCGAACCCCC (p.Pro772_His773insProAsnPro)

Genes: EGFR (epidermal growth factor receptor; plus strand), EGFR-AS1 (EGFR antisense RNA 1; minus strand). Cytogenetic location: 7p11.2.
Variant type: Insertion.
Coding change: c.2317_2318insCGAACCCCC on transcript NM_005228.5 (MANE Select); coding-DNA positions 2317 to 2318, CGAACCCCC inserted.
Protein change: p.Pro772_His773insProAsnPro.
Molecular consequence: inframe insertion. On other transcripts: non-coding transcript variant (1).
Genome position: GRCh38 VCF-style: chr7-55181319-C-CAACCCCCCG. GRCh37 (hg19) VCF-style: chr7-55249012-C-CAACCCCCCG.
Other names: c.2182_2183insCGAACCCCC, p.Pro727_His728insProAsnPro (NM_001346897.2, NM_001346899.2); c.2317_2318insCGAACCCCC, p.Pro772_His773insProAsnPro (NM_001346898.2); c.2158_2159insCGAACCCCC, p.Pro719_His720insProAsnPro (NM_001346900.2); c.1516_1517insCGAACCCCC, p.Pro505_His506insProAsnPro (NM_001346941.2).
Identifiers: ClinVar variation 177954 (VCV000177954.4), dbSNP rs727503013, ClinGen allele CA181055.

ClinVar aggregate classification (germline): drug response (1 of 4 stars; one submission).

Conditions:
Tyrosine kinase inhibitor response. Also called: Protein-tyrosine kinase inhibitor response. Identifiers: MedGen CN225347.

Submission:

Laboratory for Molecular Medicine, Mass General Brigham Personalized Medicine
Classification: drug response for Tyrosine kinase inhibitor response. Last evaluated: 2011-03-24. Review status: criteria provided, single submitter. Criteria: LMM Criteria. Collection method: clinical testing. Allele origin: somatic. Observed: 1 variant allele.
Comment: This variant has not been previously reported in the literature although similar insertions at this position have been described in cases of lung adenocarcinoma(Pro772_His773insTyrAsnPro, Pro772_His773insAspAsnPro, COSMIC, Wu 2008, Kosaka 2009). Insertions in EGFR exon 20 such as this have been associated with resistance to EGFR TKIs.

Literature cited by the submitters: PubMed 19096302.